The following is an entry in ClinVar:

NM_020928.2(ZSWIM6):c.1893T>C (p.His631=)

Gene: ZSWIM6 (zinc finger SWIM-type containing 6; plus strand). Cytogenetic location: 5q12.1.
Variant type: single nucleotide variant.
Coding change: c.1893T>C on transcript NM_020928.2 (MANE Select); coding-DNA position 1893, T replaced by C.
Protein change: p.His631=; no amino-acid change (histidine 631 retained).
Molecular consequence: synonymous variant.
Genome position (GRCh38, 1-based): chr5:61,530,107, T>C. VCF-style: chr5-61530107-T-C. GRCh37 (hg19) VCF-style: chr5-60825934-T-C.
Identifiers: ClinVar variation 764543 (VCV000764543.21), dbSNP rs757310729, ClinGen allele CA3278394.

ClinVar aggregate classification (germline): Benign/Likely benign. Review status: criteria provided, multiple submitters, no conflicts (2 of 4 stars). 4 submissions from 4 submitters: Benign (1); Likely benign (2). 1 of the submissions does not count toward it. Last evaluated 2025-12-22.

Conditions:
ZSWIM6-related disorder. Also called: ZSWIM6-related condition.

Allele frequency attached by ClinVar (database versions not stated): gnomAD exomes 0.00012 and 0.00030; gnomAD 0.00015 and 0.00016; TOPMed 0.00016; ExAC 0.00059.
gnomAD v4.1: 204 of 1,551,390 alleles (0.013%); highest among the groups gnomAD compares: Middle Eastern, 0.033%; 1 homozygote.

Submissions (4):

Labcorp Genetics (formerly Invitae), Labcorp
Classification: Benign. Last evaluated: 2025-12-22. Review status: criteria provided, single submitter. Criteria: Invitae Variant Classification Sherloc (09022015). Collection method: clinical testing. Allele origin: germline.

CeGaT Center for Human Genetics Tuebingen
Classification: Likely benign. Last evaluated: 2025-05-01. Review status: criteria provided, single submitter. Criteria: CeGaT Center For Human Genetics Tuebingen Variant Classification Criteria Version 2. Collection method: clinical testing. Allele origin: germline. Affected: yes. Observed: 1 variant allele.
Comment: ZSWIM6: BP4, BP7

Blueprint Genetics
Classification: Likely benign. Last evaluated: 2024-11-06. Review status: criteria provided, single submitter. Criteria: ACMG Guidelines, 2015. Collection method: clinical testing. Allele origin: germline.

PreventionGenetics, part of Exact Sciences
Classification: Likely benign for ZSWIM6-related condition. Last evaluated: 2019-06-11. Review status: no assertion criteria provided. Collection method: clinical testing. Allele origin: germline. Not counted in ClinVar's aggregate classification.
Comment: This variant is classified as likely benign based on ACMG/AMP sequence variant interpretation guidelines (Richards et al. 2015 PMID: 25741868, with internal and published modifications).